The following is an entry in ClinVar:

NM_001394062.1(MACF1):c.16435A>C (p.Thr5479Pro)

Gene: MACF1 (microtubule actin crosslinking factor 1; plus strand). Cytogenetic location: 1p34.3.
Variant type: single nucleotide variant.
Coding change: c.16435A>C on transcript NM_001394062.1 (MANE Select); coding-DNA position 16435, A replaced by C.
Protein change: p.Thr5479Pro; replaces threonine 5479 with proline.
Molecular consequence: missense variant.
Genome position (GRCh38, 1-based): chr1:39,427,573, A>C. VCF-style: chr1-39427573-A-C. GRCh37 (hg19) VCF-style: chr1-39893245-A-C.
Other names: c.4831A>C, p.Thr1611Pro (NM_001397473.1); c.10249A>C, p.Thr3417Pro (NM_012090.5); short protein forms T1611P, T5479P, T3417P.
Identifiers: ClinVar variation 4720526 (VCV004720526.1).

ClinVar aggregate classification (germline): Uncertain significance (1 of 4 stars; one submission).

Submission:

Labcorp Genetics (formerly Invitae), Labcorp
Classification: Uncertain significance. Last evaluated: 2025-06-11. Review status: criteria provided, single submitter. Criteria: Invitae Variant Classification Sherloc (09022015). Collection method: clinical testing. Allele origin: germline.
Comment: This sequence change replaces threonine, which is neutral and polar, with proline, which is neutral and non-polar, at codon 3417 of the MACF1 protein (p.Thr3417Pro). This variant is not present in population databases (gnomAD no frequency). This variant has not been reported in the literature in individuals affected with MACF1-related conditions. An algorithm developed to predict the effect of missense changes on protein structure and function (PolyPhen-2) suggests that this variant is likely to be disruptive. In summary, the available evidence is currently insufficient to determine the role of this variant in disease. Therefore, it has been classified as a Variant of Uncertain Significance.